The following is an entry in ClinVar:

NM_001277058.2(ERCC6):c.2881delinsAT (p.Leu961fs)

Genes: ERCC6 (ERCC excision repair 6, chromatin remodeling factor; minus strand), PGBD3 (piggyBac transposable element derived 3; minus strand). Cytogenetic location: 10q11.23.
Variant type: Indel.
Coding change: c.2881delinsAT on transcript NM_001277058.2 (MANE Plus Clinical); coding-DNA position 2881, C replaced by AT.
Protein change: p.Leu961fs; shifts the reading frame from leucine 961.
Molecular consequence: frameshift variant. On other transcripts: intron variant (2).
Genome position (GRCh38, 1-based): chr10:49,515,638, G replaced by AT on the plus strand (C replaced by AT on the coding strand, the reverse complement: ERCC6 is on the minus strand). VCF-style: chr10-49515638-G-AT. GRCh37 (hg19) VCF-style: chr10-50723684-G-AT.
Other names: c.2881delinsAT, p.Leu961fs (NM_001277059.2); c.1477delinsAT, p.Leu493fs (NM_170753.3); c.1397+8395delinsAT (NM_001346440.2, NM_000124.4); short protein forms L493fs, L961fs.
Identifiers: ClinVar variation 2573367 (VCV002573367.1), dbSNP rs2496093050, ClinGen allele CA2580615464.

ClinVar aggregate classification (germline): Uncertain significance (1 of 4 stars; one submission).

Submission:

Women's Health and Genetics/Laboratory Corporation of America, LabCorp
Classification: Uncertain significance. Last evaluated: 2023-06-06. Review status: criteria provided, single submitter. Criteria: LabCorp Variant Classification Summary - May 2015. Collection method: clinical testing. Allele origin: germline.
Comment: Variant summary: ERCC6 c.1397+8395delinsAT is located at a position not widely known to affect splicing. 4/4 computational tools predict no significant impact on normal splicing. However, these predictions have yet to be confirmed by functional studies. The variant was absent in 251262 control chromosomes (gnomAD). The available data on variant occurrences in the general population are insufficient to allow any conclusion about variant significance. To our knowledge, no occurrence of c.1397+8395delinsAT in individuals affected with Cerebrooculofacioskeletal Syndrome 1 and no experimental evidence demonstrating its impact on protein function have been reported. No clinical diagnostic laboratories have submitted clinical-significance assessments for this variant to ClinVar after 2014. Based on the evidence outlined above, the variant was classified as uncertain significance.